The following is an entry in ClinVar:

NM_201253.3(CRB1):c.2548G>A (p.Gly850Ser)

Gene: CRB1 (crumbs cell polarity complex component 1; plus strand). Cytogenetic location: 1q31.3.
Variant type: single nucleotide variant.
Coding change: c.2548G>A on transcript NM_201253.3 (MANE Select); coding-DNA position 2548, G replaced by A.
Protein change: p.Gly850Ser; replaces glycine 850 with serine.
Molecular consequence: missense variant. On other transcripts: non-coding transcript variant (2), intron variant (1).
Genome position (GRCh38, 1-based): chr1:197,427,873, G>A. VCF-style: chr1-197427873-G-A. GRCh37 (hg19) VCF-style: chr1-197397003-G-A.
Other names: c.2212G>A, p.Gly738Ser (NM_001193640.2); c.2341G>A, p.Gly781Ser (NM_001257965.2); c.2128+5917G>A (NM_001257966.2); short protein forms G850S, G738S, G781S.
Identifiers: ClinVar variation 565382 (VCV000565382.12), dbSNP rs776591659, ClinGen allele CA1312139.

ClinVar aggregate classification (germline): Pathogenic. Review status: criteria provided, multiple submitters, no conflicts (2 of 4 stars). 5 submissions from 5 submitters: Pathogenic (4). 1 of the submissions does not count toward it. Last evaluated 2025-10-16.

Conditions:
Leber congenital amaurosis (LCA). Also called: Leber's amaurosis. Identifiers: Orphanet 65, MedGen C0339527, MeSH D057130, MONDO:0018998.
Leber congenital amaurosis 8 (LCA8). Identifiers: Orphanet 65, MedGen C3151202, MONDO:0013453, OMIM 613835.
Retinitis pigmentosa 12 (RP12). Also called: RP WITH OR WITHOUT PPRPE; RP WITH OR WITHOUT PRESERVED PARAARTERIOLE RETINAL PIGMENT EPITHELIUM; RETINITIS PIGMENTOSA WITH OR WITHOUT PARAARTERIOLAR PRESERVATION OF RETINAL PIGMENT EPITHELIUM. Identifiers: Orphanet 791, MedGen C1838647, MONDO:0010818, OMIM 600105.
CRB1-related disorder. Also called: CRB1-related condition; CRB1-related disorders.

Allele frequency attached by ClinVar (database versions not stated): ExAC 0.00001; gnomAD 0.00001; TOPMed 0.00001; gnomAD exomes 0.00002.
gnomAD v4.1: 80 of 1,613,896 alleles (0.005%); highest among the groups gnomAD compares: Non-Finnish European, 0.0063%; no homozygotes.

Submissions (5):

Labcorp Genetics (formerly Invitae), Labcorp
Classification: Pathogenic for Leber congenital amaurosis 8; Retinitis pigmentosa 12. Last evaluated: 2025-10-16. Review status: criteria provided, single submitter. Criteria: Invitae Variant Classification Sherloc (09022015). Collection method: clinical testing. Allele origin: germline.
Comment: This sequence change replaces glycine, which is neutral and non-polar, with serine, which is neutral and polar, at codon 850 of the CRB1 protein (p.Gly850Ser). This variant is present in population databases (rs776591659, gnomAD 0.004%). This missense change has been observed in individuals with CRB1-related diseases and Leber congenital amaurosis (PMID: 15459956, 20591486, 20956273). It has also been observed to segregate with disease in related individuals. ClinVar contains an entry for this variant (Variation ID: 565382). Invitae Evidence Modeling of protein sequence and biophysical properties (such as structural, functional, and spatial information, amino acid conservation, physicochemical variation, residue mobility, and thermodynamic stability) indicates that this missense variant is expected to disrupt CRB1 protein function with a positive predictive value of 95%. For these reasons, this variant has been classified as Pathogenic.

Natera, Inc.
Classification: Pathogenic for Leber congenital amaurosis. Last evaluated: 2024-09-09. Review status: criteria provided, single submitter. Criteria: Natera Variant Classification Schema (03/2026). Collection method: clinical testing. Allele origin: germline.
Comment: The c.2548G>A variant in CRB1 is a missense variant predicted to cause substitution of glycine to serine at amino acid 850. This variant is rare in the general population with a frequency below the threshold expected for the associated phenotype(s). This variant has been observed in one or more individuals affected with the associated recessive disease, as either homozygous or compound heterozygous with a second variant (PMID: 20591486, 34884448, 32931148, 15459956, 20956273). Additionally, this variant has been observed to segregate in affected family members (PMID: 20591486, 32931148). Computational prediction algorithms indicate this variant is likely to affect gene or protein function. Given the available evidence, this variant is classified as Pathogenic.

Baylor Genetics
Classification: Pathogenic for Leber congenital amaurosis 8. Last evaluated: 2024-01-01. Review status: criteria provided, single submitter. Criteria: ACMG Guidelines, 2015. Collection method: clinical testing. Allele origin: unknown.

Blueprint Genetics
Classification: Pathogenic for CRB1-related disorders. Last evaluated: 2022-05-19. Review status: criteria provided, single submitter. Criteria: ACMG Guidelines, 2015. Collection method: clinical testing. Allele origin: germline. Affected: yes. Observed: 5 variant alleles.

Genomics England Pilot Project, Genomics England
Classification: Likely pathogenic for Retinitis pigmentosa 12. Review status: no assertion criteria provided. Criteria: ACGS Guidelines, 2016. Collection method: clinical testing. Allele origin: germline. Affected: yes. Not counted in ClinVar's aggregate classification.

Literature cited by the submitters: PubMed 15459956 (cited by Labcorp Genetics (formerly Invitae), Labcorp and Natera, Inc.); PubMed 20591486 (cited by Labcorp Genetics (formerly Invitae), Labcorp and Natera, Inc.); PubMed 20956273 (cited by Labcorp Genetics (formerly Invitae), Labcorp and Natera, Inc.); PubMed 34884448 (cited by Natera, Inc.); PubMed 32931148 (cited by Natera, Inc.).